The following is an entry in ClinVar:

ClinVar aggregate classification (germline): Uncertain significance (1 of 4 stars; one submission).

Submission:

Labcorp Genetics (formerly Invitae), Labcorp
Classification: Uncertain significance. Last evaluated: 2025-03-20. Review status: criteria provided, single submitter. Criteria: Invitae Variant Classification Sherloc (09022015). Collection method: clinical testing. Allele origin: germline.
Comment: This sequence change replaces glutamic acid, which is acidic and polar, with aspartic acid, which is acidic and polar, at codon 25 of the SOX11 protein (p.Glu25Asp). This variant is not present in population databases (gnomAD no frequency). This variant has not been reported in the literature in individuals affected with SOX11-related conditions. Invitae Evidence Modeling of protein sequence and biophysical properties (such as structural, functional, and spatial information, amino acid conservation, physicochemical variation, residue mobility, and thermodynamic stability) indicates that this missense variant is not expected to disrupt SOX11 protein function with a negative predictive value of 95%. In summary, the available evidence is currently insufficient to determine the role of this variant in disease. Therefore, it has been classified as a Variant of Uncertain Significance.

NM_003108.4(SOX11):c.75A>T (p.Glu25Asp)

Gene: SOX11 (SRY-box transcription factor 11; plus strand). Cytogenetic location: 2p25.2.
Variant type: single nucleotide variant.
Coding change: c.75A>T on transcript NM_003108.4 (MANE Select); coding-DNA position 75, A replaced by T.
Protein change: p.Glu25Asp; replaces glutamic acid 25 with aspartic acid.
Molecular consequence: missense variant.
Genome position (GRCh38, 1-based): chr2:5,692,796, A>T. VCF-style: chr2-5692796-A-T. GRCh37 (hg19) VCF-style: chr2-5832928-A-T.
Other names: short protein forms E25D.
Identifiers: ClinVar variation 4746983 (VCV004746983.1).